The following is an entry in ClinVar:

NM_000059.4(BRCA2):c.1056C>G (p.Tyr352Ter)

Gene: BRCA2 (BRCA2 DNA repair associated; plus strand). Cytogenetic location: 13q13.1.
Variant type: single nucleotide variant.
Coding change: c.1056C>G on transcript NM_000059.4 (MANE Select); coding-DNA position 1056, C replaced by G.
Protein change: p.Tyr352Ter; replaces tyrosine 352 with a stop codon.
Molecular consequence: nonsense. On other transcripts: non-coding transcript variant (1), intron variant (1).
Genome position (GRCh38, 1-based): chr13:32,332,534, C>G. VCF-style: chr13-32332534-C-G. GRCh37 (hg19) VCF-style: chr13-32906671-C-G.
Other names: c.1056C>G, p.Tyr352Ter (NM_001406721.1, NM_001432077.1, NM_001406719.1 and 1 more transcripts); c.424+1504C>G (NM_001406722.1); short protein forms Y352*.
Identifiers: ClinVar variation 4850076 (VCV004850076.1).

ClinVar aggregate classification (germline): Pathogenic (1 of 4 stars; one submission).

Conditions:
Inherited breast cancer and ovarian cancer.

Submission:

Genetics Laboratory, Great Ormond Street Hospital NHS Foundation Trust, North Thames Genomic Laboratory Hub
Classification: Pathogenic for Inherited breast cancer and ovarian cancer. Last evaluated: 2026-03-11. Review status: criteria provided, single submitter. Criteria: CanVIG BRCA Gene Specific V1.22. Collection method: clinical testing. Allele origin: germline. Affected: yes.
Comment: PM2_moderate, PVS1_very-strong, PM5_strong